The following is an entry in ClinVar:

NM_001385012.1(NBEA):c.6234G>A (p.Arg2078=)

Gene: NBEA (neurobeachin; plus strand). Cytogenetic location: 13q13.3.
Variant type: single nucleotide variant.
Coding change: c.6234G>A on transcript NM_001385012.1 (MANE Select); coding-DNA position 6234, G replaced by A.
Protein change: p.Arg2078=; no amino-acid change (arginine 2078 retained).
Molecular consequence: synonymous variant.
Genome position (GRCh38, 1-based): chr13:35,432,323, G>A. VCF-style: chr13-35432323-G-A. GRCh37 (hg19) VCF-style: chr13-36006460-G-A.
Other names: c.6234G>A (NM_015678.4); c.6225G>A, p.Arg2075= (NM_001379245.1); c.6234G>A, p.Arg2078= (NM_015678.5).
Identifiers: ClinVar variation 4919813 (VCV004919813.2).

ClinVar aggregate classification (germline): Likely benign. Review status: criteria provided, multiple submitters, no conflicts (2 of 4 stars). 2 submissions from 2 submitters: Likely benign (2). Last evaluated 2024-11-25.

Conditions:
NBEA-related disorder. Also called: NBEA-related condition.

gnomAD v4.1: 4 of 1,608,652 alleles (0.00025%); highest among the groups gnomAD compares: Admixed American, 0.0067%; no homozygotes.

Submissions (2):

PreventionGenetics, part of Exact Sciences
Classification: Likely benign for NBEA-related condition. Last evaluated: 2024-11-25. Review status: criteria provided, single submitter. Criteria: ACMG Guidelines, 2015. Collection method: clinical testing. Allele origin: germline.
Comment: This variant is classified as likely benign based on ACMG/AMP sequence variant interpretation guidelines (Richards et al. 2015 PMID: 25741868, with internal and published modifications).

Blueprint Genetics
Classification: Likely benign. Last evaluated: 2024-03-04. Review status: criteria provided, single submitter. Criteria: ACMG Guidelines, 2015. Collection method: clinical testing. Allele origin: germline.